The following is an entry in ClinVar:

NM_001002294.3(FMO3):c.240C>G (p.Asn80Lys)

Gene: FMO3 (flavin containing dimethylaniline monoxygenase 3; plus strand). Cytogenetic location: 1q24.3.
Variant type: single nucleotide variant.
Coding change: c.240C>G on transcript NM_001002294.3 (MANE Select); coding-DNA position 240, C replaced by G.
Protein change: p.Asn80Lys; replaces asparagine 80 with lysine.
Molecular consequence: missense variant. On other transcripts: intron variant (1).
Genome position (GRCh38, 1-based): chr1:171,103,892, C>G. VCF-style: chr1-171103892-C-G. GRCh37 (hg19) VCF-style: chr1-171073033-C-G.
Other names: c.180C>G, p.Asn60Lys (NM_001319173.2); c.240C>G, p.Asn80Lys (NM_006894.6); c.133-3783C>G (NM_001319174.2); short protein forms N80K, N60K.
Identifiers: ClinVar variation 5004124 (VCV005004124.1).

ClinVar aggregate classification (germline): Uncertain significance (1 of 4 stars; one submission).

Conditions:
Trimethylaminuria (TMAU). Also called: Primary Trimethylaminuria; Fish malodor syndrome; Stale fish syndrome; TMAuria; FISH-ODOR SYNDROME. Identifiers: MedGen C0342739, MONDO:0011182, OMIM 602079, HP:0003614. Disease mechanism: loss of function.

gnomAD v4.1: 2 of 1,613,908 alleles (0.00012%); no homozygotes.

Submission:

Myriad Genetics, Inc.
Classification: Uncertain significance for Trimethylaminuria. Last evaluated: 2025-08-14. Review status: criteria provided, single submitter. Criteria: Myriad Autosomal Dominant, Autosomal Recessive and X-Linked Classification Criteria (2023). Collection method: clinical testing. Allele origin: unknown.
Comment: NM_001002294.2(FMO3):c.240C>G(N80K) is a missense variant classified as a variant of uncertain significance in the context of primary trimethylaminuria. N80K has not been observed in cases with relevant disease. Relevant functional assessments of this variant are not available in the literature. N80K has not been observed in referenced population frequency databases. In summary, there is insufficient evidence to classify NM_001002294.2(FMO3):c.240C>G(N80K) as pathogenic or benign. Please note: this variant was assessed in the context of healthy population screening.